The following is an entry in ClinVar:

ClinVar aggregate classification (germline): Uncertain significance (1 of 4 stars; one submission).

Submission:

GeneDx
Classification: Uncertain significance. Last evaluated: 2023-09-19. Review status: criteria provided, single submitter. Criteria: GeneDx Variant Classification Process June 2021. Collection method: clinical testing. Allele origin: germline. Affected: yes.
Comment: Not observed at significant frequency in large population cohorts (gnomAD); In silico analysis supports that this missense variant does not alter protein structure/function; Has not been previously published as pathogenic or benign to our knowledge; Variants in candidate genes are classified as variants of uncertain significance in accordance with ACMG guidelines (Richards et al., 2015)

NM_182699.4(DDX53):c.244A>C (p.Ile82Leu)

Genes: DDX53 (DEAD-box helicase 53; plus strand), PTCHD1-AS (PTCHD1 antisense RNA (head to head); minus strand). Cytogenetic location: Xp22.11.
Variant type: single nucleotide variant.
Coding change: c.244A>C on transcript NM_182699.4 (MANE Select); coding-DNA position 244, A replaced by C.
Protein change: p.Ile82Leu; replaces isoleucine 82 with leucine.
Molecular consequence: missense variant.
Genome position (GRCh38, 1-based): chrX:23,000,301, A>C. VCF-style: chrX-23000301-A-C. GRCh37 (hg19) VCF-style: chrX-23018418-A-C.
Other names: short protein forms I82L.
Identifiers: ClinVar variation 3573569 (VCV003573569.1).